The following is an entry in ClinVar:

NM_001211.6(BUB1B):c.925C>G (p.Gln309Glu)

Gene: BUB1B (BUB1 mitotic checkpoint serine/threonine kinase B; plus strand). Cytogenetic location: 15q15.1.
Variant type: single nucleotide variant.
Coding change: c.925C>G on transcript NM_001211.6 (MANE Select); coding-DNA position 925, C replaced by G.
Protein change: p.Gln309Glu; replaces glutamine 309 with glutamic acid.
Molecular consequence: missense variant.
Genome position (GRCh38, 1-based): chr15:40,185,338, C>G. VCF-style: chr15-40185338-C-G. GRCh37 (hg19) VCF-style: chr15-40477539-C-G.
Other names: short protein forms Q309E.
Identifiers: ClinVar variation 1766360 (VCV001766360.2), dbSNP rs2037346846, ClinGen allele CA391684708.
Genomic context (GRCh38, chr15:40,185,338, plus strand): 5'-AAGCCTACAGTCCAGCCATGGATAGCACCCCCCATGCCCAGGGCCAAAGAGAATGAGCTG[C>G]AAGCAGGCCCTTGGAACACAGGCAGGTCCTTGGAACACAGGGTAAGGACTCTTAGATCCA-3'
Protein context (NP_001202.5, residues 299-319): PMPRAKENEL[Gln309Glu]AGPWNTGRSL

ClinVar aggregate classification (germline): Uncertain significance (1 of 4 stars; one submission).

Conditions:
Inborn genetic diseases. Identifiers: MedGen C0950123, MeSH D030342.

Submission:

Ambry Genetics
Classification: Uncertain significance for Inborn genetic diseases. Last evaluated: 2022-05-21. Review status: criteria provided, single submitter. Criteria: Ambry Variant Classification Scheme 2023. Collection method: clinical testing. Allele origin: germline.
Comment: The p.Q309E variant (also known as c.925C>G), located in coding exon 7 of the BUB1B gene, results from a C to G substitution at nucleotide position 925. The glutamine at codon 309 is replaced by glutamic acid, an amino acid with highly similar properties. This amino acid position is conserved. In addition, this alteration is predicted to be tolerated by in silico analysis. Since supporting evidence is limited at this time, the clinical significance of this alteration remains unclear.